The following is an entry in ClinVar:

NM_002691.4(POLD1):c.2840A>G (p.Glu947Gly)

Gene: POLD1 (DNA polymerase delta 1, catalytic subunit; plus strand). Cytogenetic location: 19q13.33.
Variant type: single nucleotide variant.
Coding change: c.2840A>G on transcript NM_002691.4 (MANE Select); coding-DNA position 2840, A replaced by G.
Protein change: p.Glu947Gly; replaces glutamic acid 947 with glycine.
Molecular consequence: missense variant. On other transcripts: non-coding transcript variant (1).
Genome position (GRCh38, 1-based): chr19:50,416,415, A>G. VCF-style: chr19-50416415-A-G. GRCh37 (hg19) VCF-style: chr19-50919672-A-G.
Other names: c.2840A>G (NM_002691.2); c.2840A>G, p.Glu947Gly (NM_001256849.1); c.2918A>G, p.Glu973Gly (NM_001308632.1); short protein forms E947G, E973G.
Identifiers: ClinVar variation 841843 (VCV000841843.11), dbSNP rs2039292441, ClinGen allele CA406986256.
Genomic context (GRCh38, chr19:50,416,415, plus strand): 5'-CTTTCCCTGGCTGCCCGGGTGTGACTGCCATGTGGCCGCAGGACCCGCTGTTCGTGCTGG[A>G]GCACAGCCTGCCCATTGACACGCAGTACTACCTGGAGCAGCAGCTGGCCAAGCCCCTCCT-3'
Protein context (NP_002682.2, residues 937-957): MKSEDPLFVL[Glu947Gly]HSLPIDTQYY

ClinVar aggregate classification (germline): Uncertain significance. Review status: criteria provided, multiple submitters, no conflicts (2 of 4 stars). 2 submissions from 2 submitters: Uncertain significance (2). Last evaluated 2025-10-09.

Conditions:
Hereditary cancer-predisposing syndrome. Also called: Tumor predisposition; Hereditary Cancer Syndrome; Hereditary neoplastic syndrome; Neoplastic Syndromes, Hereditary. Identifiers: Orphanet 140162, MedGen C0027672, MeSH D009386, MONDO:0015356.
POLD1-related polyposis and colorectal cancer syndrome (CRCS10). Also called: Colorectal cancer 10; COLORECTAL CANCER, SUSCEPTIBILITY TO, ON CHROMOSOME 19q; Colorectal cancer, susceptibility to, 10. Identifiers: Orphanet 220460, MedGen C2675481, MONDO:0012953, OMIM 612591.

Allele frequency attached by ClinVar (database versions not stated): TOPMed below 0.00001.

Submissions (2):

Labcorp Genetics (formerly Invitae), Labcorp
Classification: Uncertain significance for POLD1-related polyposis and colorectal cancer syndrome. Last evaluated: 2025-10-09. Review status: criteria provided, single submitter. Criteria: Invitae Variant Classification Sherloc (09022015). Collection method: clinical testing. Allele origin: germline.
Comment: This sequence change replaces glutamic acid, which is acidic and polar, with glycine, which is neutral and non-polar, at codon 947 of the POLD1 protein (p.Glu947Gly). This variant is not present in population databases (gnomAD no frequency). This variant has not been reported in the literature in individuals affected with POLD1-related conditions. ClinVar contains an entry for this variant (Variation ID: 841843). Invitae Evidence Modeling of protein sequence and biophysical properties (such as structural, functional, and spatial information, amino acid conservation, physicochemical variation, residue mobility, and thermodynamic stability) indicates that this missense variant is expected to disrupt POLD1 protein function with a positive predictive value of 80%. In summary, the available evidence is currently insufficient to determine the role of this variant in disease. Therefore, it has been classified as a Variant of Uncertain Significance.

Ambry Genetics
Classification: Uncertain significance for Hereditary cancer-predisposing syndrome. Last evaluated: 2023-08-05. Review status: criteria provided, single submitter. Criteria: Ambry Variant Classification Scheme 2023. Collection method: clinical testing. Allele origin: germline.
Comment: The p.E947G variant (also known as c.2840A>G), located in coding exon 22 of the POLD1 gene, results from an A to G substitution at nucleotide position 2840. The glutamic acid at codon 947 is replaced by glycine, an amino acid with similar properties. This amino acid position is conserved. In addition, this alteration is predicted to be tolerated by in silico analysis. Since supporting evidence is limited at this time, the clinical significance of this alteration remains unclear.